The following is an entry in ClinVar:

ClinVar aggregate classification (germline): Uncertain significance (1 of 4 stars; one submission).

Conditions:
GNAS-related disorder. Identifiers: MedGen CN380105.

gnomAD v4.1: 8 of 1,611,876 alleles (0.0005%); highest among the groups gnomAD compares: African/African-American, 0.004%; no homozygotes.

Submission:

PreventionGenetics, part of Exact Sciences
Classification: Uncertain significance for GNAS-related condition. Last evaluated: 2026-04-12. Review status: criteria provided, single submitter. Criteria: ACMG Guidelines, 2015. Collection method: clinical testing. Allele origin: germline.
Comment: The GNAS c.818G>A variant is predicted to result in the amino acid substitution p.Arg273His. To our knowledge, this variant has not been reported in the literature. This variant is reported in 0.00091% of alleles in individuals of European (Non-Finnish) descent in gnomAD. At this time, the clinical significance of this variant is uncertain due to the absence of conclusive functional and genetic evidence.

NM_080425.4(GNAS):c.1005G>A (p.Pro335=)

Gene: GNAS (GNAS complex locus; plus strand). Cytogenetic location: 20q13.32.
Variant type: single nucleotide variant.
Coding change: c.1005G>A on transcript NM_080425.4 (MANE Plus Clinical); coding-DNA position 1005, G replaced by A.
Protein change: p.Pro335=; no amino-acid change (proline 335 retained).
Molecular consequence: synonymous variant. On other transcripts: missense variant (2), intron variant (3).
Genome position (GRCh38, 1-based): chr20:58,854,270, G>A. VCF-style: chr20-58854270-G-A. GRCh37 (hg19) VCF-style: chr20-57429325-G-A.
Other names: c.818G>A, p.Arg273His (NM_001077490.3, NM_001309883.1); c.1005G>A, p.Pro335= (NM_001410913.1); c.*42+13384G>A (NM_016592.5); c.43+13384G>A (NM_001410912.1); c.-39+12395G>A (NM_001309861.2); short protein forms R273H.
Identifiers: ClinVar variation 4984380 (VCV004984380.1).
Genomic context (GRCh38, chr20:58,854,270, plus strand): 5'-CGCTGGGGTCGACGACACTCCCGTCAACATGGACAGCCCCCCAATCGCGCTTGACGGCCC[G>A]CCCATCAAGGTCTCCGGAGCCCCAGATAAGAGAGAGCGAGCAGAGAGACCCCCAGTTGAG-3'
Protein context (NP_536350.2, residues 325-345): MDSPPIALDG[Pro335=]PIKVSGAPDK